The following is an entry in ClinVar:

ClinVar aggregate classification (germline): Likely pathogenic. Review status: reviewed by expert panel (3 of 4 stars). 2 submissions from 2 submitters: Likely pathogenic (1). 1 of the submissions does not count toward it. Last evaluated 2025-01-03.

Conditions:
Pulmonary arterial hypertension. Identifiers: Orphanet 182090, MedGen C2973725, MeSH D000081029, MONDO:0015924, HP:0002092.

Submissions (2):

Clingen Pulmonary Hypertension Variant Curation Expert Panel, ClinGen
Classification: Likely pathogenic for Pulmonary arterial hypertension. Last evaluated: 2025-01-03. Review status: reviewed by expert panel. Criteria: ClinGen PH ACMG Specifications BMPR2 V1.1.0. Collection method: curation. Allele origin: germline. Inheritance: Autosomal dominant inheritance.
Comment: The BMPR2 c.1228G>C variant is a missense variant predicted to cause a glycine to arginine substitution at amino acid position 410 (p.Gly410Arg). The variant is absent from gnomAD v2.1.1 control and v4.1.0 populations (PM2_supporting). The variant was reported in one individual with pulmonary arterial hypertension in ClinVar and two affected twins (DOI 10.1164/ajrccm-conference.2012.185.1_MeetingAbstracts.A6192) (PS4_supporting). Gly410Arg is located in the catalytic kinase domain and Gly410 is known to be an indispensable residue (PM1_strong). A different variant affecting the same amino acid, c.1228 G>A (p.Gly410Arg), has been reported and was classified by our expert panel as likely pathogenic (PS1_moderate). Other pathogenic missense variants causing a different amino acid change at the same residue have not been reported (PM5 not met). The REVEL score for this variant is 0.984, which meets the threshold of >=0.75 (PP3 met, BP4 not met). Criteria not evaluated included PP1, PM6, and PS2 due to the absence of segregation evidence, and BS3 and PS3 due to the lack of functional data. In summary, this variant meets the criteria to be classified as likely pathogenic for pulmonary arterial hypertension based on the ACMG/AMP criteria applied, as specified by the ClinGen Pulmonary Hypertension VCEP: PS1_moderate, PS4_supporting, PM1_strong, PM2_supporting, and PP3 (VCEP specification version 1.1, 1/18/2024).

NIHR Bioresource Rare Diseases, University of Cambridge
Classification: Pathogenic for Pulmonary arterial hypertension. Review status: no assertion criteria provided. Collection method: research. Allele origin: unknown. Affected: yes. Observed: 1 variant allele. Not counted in ClinVar's aggregate classification.

Literature cited by the submitters: PubMed 32581362 (cited by NIHR Bioresource Rare Diseases, University of Cambridge).

NM_001204.7(BMPR2):c.1228G>C (p.Gly410Arg)

Gene: BMPR2 (bone morphogenetic protein receptor type 2; plus strand). Cytogenetic location: 2q33.2.
Variant type: single nucleotide variant.
Coding change: c.1228G>C on transcript NM_001204.7 (MANE Select); coding-DNA position 1228, G replaced by C.
Protein change: p.Gly410Arg; replaces glycine 410 with arginine.
Molecular consequence: missense variant.
Genome position (GRCh38, 1-based): chr2:202,532,684, G>C. VCF-style: chr2-202532684-G-C. GRCh37 (hg19) VCF-style: chr2-203397407-G-C.
Other names: NM_001204.7(BMPR2):c.1228G>C; p.Gly410Arg; short protein forms G410R.
Identifiers: ClinVar variation 812827 (VCV000812827.3), dbSNP rs1085307316, ClinGen allele CA350341904.
Genomic context (GRCh38, chr2:202,532,684, plus strand): 5'-GGAGCTGTGAACTTGAGGGACTGTGAATCAGCTTTGAAACAAGTAGACATGTATGCTCTT[G>C]GACTAATCTATTGGGAGATATTTATGAGATGTACAGACCTCTTCCCAGGTAAAAACTACT-3'
Protein context (NP_001195.2, residues 400-420): ALKQVDMYAL[Gly410Arg]LIYWEIFMRC